The following is an entry in ClinVar:

NM_006361.6(HOXB13):c.343A>T (p.Thr115Ser)

Gene: HOXB13 (homeobox B13; minus strand). Cytogenetic location: 17q21.32.
Variant type: single nucleotide variant.
Coding change: c.343A>T on transcript NM_006361.6 (MANE Select); coding-DNA position 343, A replaced by T.
Protein change: p.Thr115Ser; replaces threonine 115 with serine.
Molecular consequence: missense variant.
Genome position (GRCh38, 1-based): chr17:48,728,251, T>A on the plus strand (A>T on the coding strand, the complement: HOXB13 is on the minus strand). VCF-style: chr17-48728251-T-A. GRCh37 (hg19) VCF-style: chr17-46805613-T-A.
Other names: short protein forms T115S.
Identifiers: ClinVar variation 4743040 (VCV004743040.1).

ClinVar aggregate classification (germline): Uncertain significance (1 of 4 stars; one submission).

Submission:

Labcorp Genetics (formerly Invitae), Labcorp
Classification: Uncertain significance. Last evaluated: 2025-06-11. Review status: criteria provided, single submitter. Criteria: Invitae Variant Classification Sherloc (09022015). Collection method: clinical testing. Allele origin: germline.
Comment: This sequence change replaces threonine, which is neutral and polar, with serine, which is neutral and polar, at codon 115 of the HOXB13 protein (p.Thr115Ser). This variant is not present in population databases (gnomAD no frequency). This variant has not been reported in the literature in individuals affected with HOXB13-related conditions. Invitae Evidence Modeling of protein sequence and biophysical properties (such as structural, functional, and spatial information, amino acid conservation, physicochemical variation, residue mobility, and thermodynamic stability) indicates that this missense variant is not expected to disrupt HOXB13 protein function with a negative predictive value of 80%. In summary, the available evidence is currently insufficient to determine the role of this variant in disease. Therefore, it has been classified as a Variant of Uncertain Significance.